The following continues an entry in ClinVar:

NM_002415.2(MIF):c.282-6C>G

ClinVar aggregate classification (germline): Benign.

Submissions 33 to 48 of 48:

Dr. Peter K. Rogan Lab, Western University
No classification provided (evidence only). Condition: Nonpapillary renal cell carcinoma. Review status: no classification provided. Collection method: in vitro. Allele origin: not applicable. Functional consequence: retained intron. Not counted in ClinVar's aggregate classification.

Dr. Peter K. Rogan Lab, Western University
No classification provided (evidence only). Condition: Nonpapillary renal cell carcinoma. Review status: no classification provided. Collection method: in vitro. Allele origin: not applicable. Functional consequence: retained intron. Not counted in ClinVar's aggregate classification.

Dr. Peter K. Rogan Lab, Western University
No classification provided (evidence only). Condition: Nonpapillary renal cell carcinoma. Review status: no classification provided. Collection method: in vitro. Allele origin: not applicable. Functional consequence: retained intron. Not counted in ClinVar's aggregate classification.

Dr. Peter K. Rogan Lab, Western University
No classification provided (evidence only). Condition: Nonpapillary renal cell carcinoma. Review status: no classification provided. Collection method: in vitro. Allele origin: not applicable. Functional consequence: retained intron. Not counted in ClinVar's aggregate classification.

Dr. Peter K. Rogan Lab, Western University
No classification provided (evidence only). Condition: Nonpapillary renal cell carcinoma. Review status: no classification provided. Collection method: in vitro. Allele origin: not applicable. Functional consequence: retained intron. Not counted in ClinVar's aggregate classification.

Dr. Peter K. Rogan Lab, Western University
No classification provided (evidence only). Condition: Nonpapillary renal cell carcinoma. Review status: no classification provided. Collection method: in vitro. Allele origin: not applicable. Functional consequence: retained intron. Not counted in ClinVar's aggregate classification.

Dr. Peter K. Rogan Lab, Western University
No classification provided (evidence only). Condition: Nonpapillary renal cell carcinoma. Review status: no classification provided. Collection method: in vitro. Allele origin: not applicable. Functional consequence: retained intron. Not counted in ClinVar's aggregate classification.

Dr. Peter K. Rogan Lab, Western University
No classification provided (evidence only). Condition: Nonpapillary renal cell carcinoma. Review status: no classification provided. Collection method: in vitro. Allele origin: not applicable. Functional consequence: retained intron. Not counted in ClinVar's aggregate classification.

Dr. Peter K. Rogan Lab, Western University
No classification provided (evidence only). Condition: Nonpapillary renal cell carcinoma. Review status: no classification provided. Collection method: in vitro. Allele origin: not applicable. Functional consequence: retained intron. Not counted in ClinVar's aggregate classification.

Dr. Peter K. Rogan Lab, Western University
No classification provided (evidence only). Condition: Uterine carcinosarcoma. Review status: no classification provided. Collection method: in vitro. Allele origin: not applicable. Functional consequence: retained intron. Not counted in ClinVar's aggregate classification.

Dr. Peter K. Rogan Lab, Western University
No classification provided (evidence only). Condition: Uterine carcinosarcoma. Review status: no classification provided. Collection method: in vitro. Allele origin: not applicable. Functional consequence: retained intron. Not counted in ClinVar's aggregate classification.

Dr. Peter K. Rogan Lab, Western University
No classification provided (evidence only). Condition: Uterine carcinosarcoma. Review status: no classification provided. Collection method: in vitro. Allele origin: not applicable. Functional consequence: retained intron. Not counted in ClinVar's aggregate classification.

Dr. Peter K. Rogan Lab, Western University
No classification provided (evidence only). Condition: Uterine carcinosarcoma. Review status: no classification provided. Collection method: in vitro. Allele origin: not applicable. Functional consequence: retained intron. Not counted in ClinVar's aggregate classification.

Dr. Peter K. Rogan Lab, Western University
No classification provided (evidence only). Condition: Uterine carcinosarcoma. Review status: no classification provided. Collection method: in vitro. Allele origin: not applicable. Functional consequence: retained intron. Not counted in ClinVar's aggregate classification.

Dr. Peter K. Rogan Lab, Western University
No classification provided (evidence only). Condition: Uterine carcinosarcoma. Review status: no classification provided. Collection method: in vitro. Allele origin: not applicable. Functional consequence: retained intron. Not counted in ClinVar's aggregate classification.

Dr. Peter K. Rogan Lab, Western University
No classification provided (evidence only). Condition: Uveal melanoma. Review status: no classification provided. Collection method: in vitro. Allele origin: not applicable. Functional consequence: retained intron. Not counted in ClinVar's aggregate classification.